The following is an entry in ClinVar:

NM_000384.3(APOB):c.5815G>A (p.Ala1939Thr)

Gene: APOB (apolipoprotein B; minus strand). Cytogenetic location: 2p24.1.
Variant type: single nucleotide variant.
Coding change: c.5815G>A on transcript NM_000384.3 (MANE Select); coding-DNA position 5815, G replaced by A.
Protein change: p.Ala1939Thr; replaces alanine 1939 with threonine.
Molecular consequence: missense variant.
Genome position (GRCh38, 1-based): chr2:21,011,053, C>T on the plus strand (G>A on the coding strand, the complement: APOB is on the minus strand). VCF-style: chr2-21011053-C-T. GRCh37 (hg19) VCF-style: chr2-21233925-C-T.
Other names: short protein forms A1939T.
Identifiers: ClinVar variation 2629900 (VCV002629900.1), dbSNP rs2465373527, ClinGen allele CA346003920.

ClinVar aggregate classification (germline): Uncertain significance (1 of 4 stars; one submission).

Conditions:
APOB-related disorder. Also called: APOB-related disorders; APOB-related condition.

Allele frequency attached by ClinVar (database versions not stated): gnomAD exomes below 0.00001.
gnomAD v4.1: 1 of 1,614,138 alleles (0.000062%); highest among the groups gnomAD compares: Middle Eastern, 0.017%; no homozygotes.

Submission:

PreventionGenetics, part of Exact Sciences
Classification: Uncertain significance for APOB-related condition. Last evaluated: 2022-12-19. Review status: criteria provided, single submitter. Criteria: ACMG Guidelines, 2015. Collection method: clinical testing. Allele origin: germline.
Comment: The APOB c.5815G>A variant is predicted to result in the amino acid substitution p.Ala1939Thr. To our knowledge, this variant has not been reported in the literature or in a large population database, indicating this variant is rare. At this time, the clinical significance of this variant is uncertain due to the absence of conclusive functional and genetic evidence.